The following is an entry in ClinVar:

ClinVar aggregate classification (germline): Uncertain significance (1 of 4 stars; one submission).

Allele frequency attached by ClinVar (database versions not stated): ExAC 0.00001; gnomAD 0.00001; gnomAD exomes 0.00001.
gnomAD v4.1: 21 of 1,614,066 alleles (0.0013%); highest among the groups gnomAD compares: South Asian, 0.013%; no homozygotes.

Submission:

Labcorp Genetics (formerly Invitae), Labcorp
Classification: Uncertain significance. Last evaluated: 2023-12-02. Review status: criteria provided, single submitter. Criteria: Invitae Variant Classification Sherloc (09022015). Collection method: clinical testing. Allele origin: germline.
Comment: This sequence change replaces valine, which is neutral and non-polar, with methionine, which is neutral and non-polar, at codon 209 of the CSF2RB protein (p.Val209Met). This variant is present in population databases (rs764333642, gnomAD 0.02%). This variant has not been reported in the literature in individuals affected with CSF2RB-related conditions. ClinVar contains an entry for this variant (Variation ID: 1928356). Advanced modeling of protein sequence and biophysical properties (such as structural, functional, and spatial information, amino acid conservation, physicochemical variation, residue mobility, and thermodynamic stability) performed at Invitae indicates that this missense variant is expected to disrupt CSF2RB protein function with a positive predictive value of 80%. In summary, the available evidence is currently insufficient to determine the role of this variant in disease. Therefore, it has been classified as a Variant of Uncertain Significance.

NM_000395.3(CSF2RB):c.625G>A (p.Val209Met)

Gene: CSF2RB (colony stimulating factor 2 receptor subunit beta; plus strand). Cytogenetic location: 22q12.3.
Variant type: single nucleotide variant.
Coding change: c.625G>A on transcript NM_000395.3 (MANE Select); coding-DNA position 625, G replaced by A.
Protein change: p.Val209Met; replaces valine 209 with methionine.
Molecular consequence: missense variant.
Genome position (GRCh38, 1-based): chr22:36,929,714, G>A. VCF-style: chr22-36929714-G-A. GRCh37 (hg19) VCF-style: chr22-37325756-G-A.
Other names: c.625G>A, p.Val209Met (NM_001410827.1); short protein forms V209M.
Identifiers: ClinVar variation 1928356 (VCV001928356.5), dbSNP rs764333642, ClinGen allele CA10213532.